The following is an entry in ClinVar:

ClinVar aggregate classification (germline): Pathogenic/Likely pathogenic. Review status: criteria provided, multiple submitters, no conflicts (2 of 4 stars). 2 submissions from 2 submitters: Pathogenic (1); Likely pathogenic (1). Last evaluated 2022-05-28.

Conditions:
Glycine encephalopathy. Also called: Non-ketotic hyperglycinemia; Nonketotic hyperglycinemia. Identifiers: Orphanet 407, MedGen C0751748, MONDO:0011612, HP:0008288.

Submissions (2):

Labcorp Genetics (formerly Invitae), Labcorp
Classification: Pathogenic for Glycine encephalopathy. Last evaluated: 2022-05-28. Review status: criteria provided, single submitter. Criteria: Invitae Variant Classification Sherloc (09022015). Collection method: clinical testing. Allele origin: germline.
Comment: This variant has not been reported in the literature in individuals affected with GLDC-related conditions. This variant is not present in population databases (gnomAD no frequency). This sequence change creates a premature translational stop signal (p.Gln430*) in the GLDC gene. It is expected to result in an absent or disrupted protein product. Loss-of-function variants in GLDC are known to be pathogenic (PMID: 16601880). ClinVar contains an entry for this variant (Variation ID: 984006). For these reasons, this variant has been classified as Pathogenic. Algorithms developed to predict the effect of sequence changes on RNA splicing suggest that this variant may create or strengthen a splice site.

Myriad Genetics, Inc.
Classification: Likely pathogenic for Glycine encephalopathy 1. Last evaluated: 2019-03-21. Review status: criteria provided, single submitter. Criteria: Myriad Women's Health Autosomal Recessive and X-Linked Classification Criteria (2019). Collection method: clinical testing. Allele origin: unknown.
Comment: NM_000170.2(GLDC):c.1288C>T(Q430*) is expected to be pathogenic in the context of GLDC-related glycine encephalopathy. This variant is predicted to lead to an abnormal or absent protein product due to the creation of a premature termination codon in GLDC, a gene where loss-of-function variants are known to be pathogenic. Please note: this variant was assessed in the context of healthy population screening.

Literature cited by the submitters: PubMed 16601880 (cited by Labcorp Genetics (formerly Invitae), Labcorp).

NM_000170.3(GLDC):c.1288C>T (p.Gln430Ter)

Gene: GLDC (glycine decarboxylase; minus strand). Cytogenetic location: 9p24.1.
Variant type: single nucleotide variant.
Coding change: c.1288C>T on transcript NM_000170.3 (MANE Select); coding-DNA position 1288, C replaced by T.
Protein change: p.Gln430Ter; replaces glutamine 430 with a stop codon.
Molecular consequence: nonsense.
Genome position (GRCh38, 1-based): chr9:6,592,964, G>A on the plus strand (C>T on the coding strand, the complement: GLDC is on the minus strand). VCF-style: chr9-6592964-G-A. GRCh37 (hg19) VCF-style: chr9-6592964-G-A.
Other names: short protein forms Q430*.
Identifiers: ClinVar variation 984006 (VCV000984006.8), dbSNP rs1818407147, ClinGen allele CA372894130.
Genomic context (GRCh38, chr9:6,592,964, plus strand): 5'-AGACCTCCTTCACTGAGCAGCCACACTGAATCTTCAAGGTATCAAAGAACAGGTCATGCT[G>A]GAGTTGATGCCCTGCTCGCTTGAGACCTACACAAGATAGGAGATCCCCCAAACTCTCATA-3'